The following is an entry in ClinVar:

NM_015046.7(SETX):c.387_388+2del

Gene: SETX (senataxin; minus strand). Cytogenetic location: 9q34.13.
Variant type: Deletion.
Coding change: c.387_388+2del on transcript NM_015046.7 (MANE Select); coding-DNA position 387 through the canonical splice donor site of the intron after coding-DNA position 388, 4 bases deleted (TAGT; older notation c.387_388+2delTAGT).
Molecular consequence: splice donor variant.
Genome position (GRCh38, 1-based): chr9:132,346,259-132,346,262, ACTA deleted on the plus strand (TAGT on the coding strand, the reverse complement: SETX is on the minus strand); deleting any 4 consecutive bases within chr9:132,346,259-132,346,264 gives the same sequence; the c. name uses the placement nearest the transcript's 3' end. VCF-style (leftmost placement, unchanged base first): chr9-132346258-CACTA-C. GRCh37 (hg19) VCF-style: chr9-135221645-CACTA-C.
Other names: c.387_388+2del (NM_001351528.2, NM_001351527.2).
Identifiers: ClinVar variation 2934424 (VCV002934424.3), dbSNP rs2539238128, ClinGen allele CA2740092911.
Genomic context (GRCh38, chr9:132,346,258, plus strand): 5'-TAAATTCTTATGGTACTAAAATAATAAAACTGATATAACTTGAGGAACCATCAAGATACT[CACTA>C]ACACGTTCATGTAGAAGCAAGTAAGGATATTTCAGTATTTCAAGAAGAGGAACTCGAAGC-3'

ClinVar aggregate classification (germline): Pathogenic (1 of 4 stars; one submission).

Conditions:
Amyotrophic lateral sclerosis type 4 (ALS4). Also called: NEURONOPATHY, DISTAL HEREDITARY MOTOR, WITH PYRAMIDAL FEATURES; AMYOTROPHIC LATERAL SCLEROSIS 4, JUVENILE. Identifiers: Orphanet 357043, MedGen C1865409, MONDO:0011223, OMIM 602433.
Spinocerebellar ataxia, autosomal recessive, with axonal neuropathy 2 (SCAN2). Also called: ATAXIA-OCULOMOTOR APRAXIA 2; Ataxia-ocular apraxia-2; Ataxia with Oculomotor Apraxia; Ataxia with Oculomotor Apraxia Type 2. Identifiers: Orphanet 64753, MedGen C1853761, MONDO:0018996, OMIM 606002.

Submission:

Labcorp Genetics (formerly Invitae), Labcorp
Classification: Pathogenic for Amyotrophic lateral sclerosis type 4; Spinocerebellar ataxia, autosomal recessive, with axonal neuropathy 2. Last evaluated: 2023-05-10. Review status: criteria provided, single submitter. Criteria: Invitae Variant Classification Sherloc (09022015). Collection method: clinical testing. Allele origin: germline.
Comment: This variant is also known as c.387_388+2del. This variant has not been reported in the literature in individuals affected with SETX-related conditions. This variant is not present in population databases (gnomAD no frequency). This sequence change creates a premature translational stop signal (p.Val129Thrfs*31) in the SETX gene. It is expected to result in an absent or disrupted protein product. Loss-of-function variants in SETX are known to be pathogenic (PMID: 14770181). Algorithms developed to predict the effect of sequence changes on RNA splicing suggest that this variant may disrupt the consensus splice site. For these reasons, this variant has been classified as Pathogenic.

Literature cited by the submitters: PubMed 14770181.